The following is an entry in ClinVar:

ClinVar aggregate classification (germline): Benign (1 of 4 stars; one submission).

Allele frequency attached by ClinVar (database versions not stated): 1000 Genomes Project 30x 0.08542; 1000 Genomes Project 0.08626; gnomAD 0.12617; TOPMed 0.14811.
gnomAD v4.1: 21,774 of 151,752 alleles (14%); highest among the groups gnomAD compares: Non-Finnish European, 22%; 2,128 homozygotes.

Submission:

GeneDx
Classification: Benign. Last evaluated: 2018-06-19. Review status: criteria provided, single submitter. Criteria: GeneDx Variant Classification (06012015). Collection method: clinical testing. Allele origin: germline. Affected: yes.
Comment: This variant is considered likely benign or benign based on one or more of the following criteria: it is a conservative change, it occurs at a poorly conserved position in the protein, it is predicted to be benign by multiple in silico algorithms, and/or has population frequency not consistent with disease.

NM_015443.4(KANSL1):c.1534-340A>G

Gene: KANSL1 (KAT8 regulatory NSL complex subunit 1). Cytogenetic location: 17q21.31.
Variant type: single nucleotide variant.
Coding change: c.1534-340A>G on transcript NM_015443.4 (MANE Select); 340 bases into the intron before coding-DNA position 1534, A replaced by G.
Molecular consequence: intron variant.
Genome position (GRCh38, 1-based): chr17:46,068,007, T>C on the plus strand (A>G on the coding strand, the complement: KANSL1 is on the minus strand). VCF-style: chr17-46068007-T-C. GRCh37 (hg19) VCF-style: chr17-44145373-T-C.
Other names: c.1534-340A>G (NM_001193465.2, NM_001379198.1, NM_001193466.2).
Identifiers: ClinVar variation 668806 (VCV000668806.1), dbSNP rs75641221, ClinGen allele CA15906047.
Genomic context (GRCh38, chr17:46,068,007, plus strand): 5'-ATTAAAAAGAGAGAGAGAGAGGTTGACAGAGAGAAGGAGAATATTATATTAGCTTTTGCT[T>C]TGGGGGGAAGAGGGATGAGGAATCCAAATGTACAGACTAAAAGTAAGTACCTATTGACAG-3'